The following is an entry in ClinVar:

ClinVar aggregate classification (germline): Uncertain significance (1 of 4 stars; one submission).

Conditions:
Microcephaly, normal intelligence and immunodeficiency (NBS). Also called: Nijmegen breakage syndrome; Microcephaly with normal intelligence immunodeficiency and lymphoreticular malignancies; Nonsyndromal microcephaly autosomal recessive with normal intelligence; Seemanova syndrome 2; BERLIN BREAKAGE SYNDROME; SEEMANOVA SYNDROME II. Identifiers: Orphanet 647, MedGen C0398791, MONDO:0009623, OMIM 251260.

Submission:

3billion
Classification: Uncertain significance for Microcephaly, normal intelligence and immunodeficiency. Last evaluated: 2023-08-05. Review status: criteria provided, single submitter. Criteria: ACMG Guidelines, 2015. Collection method: clinical testing. Allele origin: germline. Affected: yes.
Comment: The variant is not observed in the gnomAD v2.1.1 dataset. Predicted Consequence/Location: Intron variant In silico tools predict the variant to alter splicing and produce an abnormal transcript [SpliceAI: 0.99 (>=0.2, moderate evidence for spliceogenicity)]. Therefore, this variant is classified as VUS according to the recommendation of ACMG/AMP guideline.

NM_002485.5(NBN):c.1845+5G>T

Gene: NBN (nibrin; minus strand). Cytogenetic location: 8q21.3.
Variant type: single nucleotide variant.
Coding change: c.1845+5G>T on transcript NM_002485.5 (MANE Select); 5 bases into the intron after coding-DNA position 1845, G replaced by T.
Molecular consequence: intron variant.
Genome position (GRCh38, 1-based): chr8:89,953,239, C>A on the plus strand (G>T on the coding strand, the complement: NBN is on the minus strand). VCF-style: chr8-89953239-C-A. GRCh37 (hg19) VCF-style: chr8-90965467-C-A.
Other names: c.1599+5G>T (NM_001024688.3).
Identifiers: ClinVar variation 3775767 (VCV003775767.1).
Genomic context (GRCh38, chr8:89,953,239, plus strand): 5'-TCGAAAGTACCTGTTAGCATTCTAAGCTTCTATGTACTATACCTCTCATTTAAAATGTTA[C>A]TTACAGATATTTTGCTACTTTCTGGTACTGCTTCATCACTGAAAGTGTCATTTGTTTCTA-3'